The following is an entry in ClinVar:

NM_001082538.3(TCTN1):c.1494+69C>T

Gene: TCTN1 (tectonic family member 1; plus strand). Cytogenetic location: 12q24.11.
Variant type: single nucleotide variant.
Coding change: c.1494+69C>T on transcript NM_001082538.3 (MANE Select); 69 bases into the intron after coding-DNA position 1494, C replaced by T.
Molecular consequence: intron variant.
Genome position (GRCh38, 1-based): chr12:110,645,198, C>T. VCF-style: chr12-110645198-C-T. GRCh37 (hg19) VCF-style: chr12-111083003-C-T.
Other names: c.1326+69C>T (NM_001173975.3); c.1167+69C>T (NM_001173976.2); c.960+69C>T (NM_001319681.2); c.1452+69C>T (NM_024549.6); c.1494+69C>T (NM_001082537.3); c.1347+69C>T (NM_001319680.2).
Identifiers: ClinVar variation 675111 (VCV000675111.2), dbSNP rs79699271, ClinGen allele CA243568405.

ClinVar aggregate classification (germline): Likely benign. Review status: criteria provided, multiple submitters, no conflicts (2 of 4 stars). 2 submissions from 2 submitters: Likely benign (2). Last evaluated 2018-06-19.

Allele frequency attached by ClinVar (database versions not stated): 1000 Genomes Project 0.00339; 1000 Genomes Project 30x 0.00344; TOPMed 0.00600; gnomAD 0.00694 and 0.00698; gnomAD exomes 0.00934.
gnomAD v4.1: 14,319 of 1,592,774 alleles (0.9%); highest among the groups gnomAD compares: Non-Finnish European, 1%; 73 homozygotes.

Submissions (2):

GeneDx
Classification: Likely benign. Last evaluated: 2018-06-19. Review status: criteria provided, single submitter. Criteria: GeneDx Variant Classification (06012015). Collection method: clinical testing. Allele origin: germline. Affected: yes.
Comment: This variant is considered likely benign or benign based on one or more of the following criteria: it is a conservative change, it occurs at a poorly conserved position in the protein, it is predicted to be benign by multiple in silico algorithms, and/or has population frequency not consistent with disease.

Breakthrough Genomics
Classification: Likely benign. Review status: criteria provided, single submitter. Criteria: ACMG Guidelines, 2015. Collection method: not provided. Allele origin: germline. Inheritance: Autosomal recessive inheritance. Affected: yes.